The following is an entry in ClinVar:

ClinVar aggregate classification (germline): Likely pathogenic (1 of 4 stars; one submission).

Conditions:
Ciliary dyskinesia, primary, 39. Also called: CILIARY DYSKINESIA, PRIMARY, 39, WITH OR WITHOUT SITUS INVERSUS. Identifiers: MedGen C4748841, MONDO:0032637, OMIM 618254.

Submission:

First Genomix Gene Laboratory, Genetic Diagnostics Department
Classification: Likely pathogenic for Ciliary dyskinesia, primary, 39. Last evaluated: 2025-03-17. Review status: criteria provided, single submitter. Criteria: ACMG Guidelines, 2015. Collection method: clinical testing. Allele origin: germline. Inheritance: Autosomal recessive inheritance. Affected: no. Observed: 1 variant allele.

NM_198075.4(LRRC56):c.1398_1404dup (p.Ser469fs)

Gene: LRRC56 (leucine rich repeat containing 56; plus strand). Cytogenetic location: 11p15.5.
Variant type: Duplication.
Coding change: c.1398_1404dup on transcript NM_198075.4 (MANE Select); coding-DNA positions 1398 to 1404, 7 bases duplicated (GCGGTGG; older notation c.1398_1404dupGCGGTGG).
Protein change: p.Ser469fs; shifts the reading frame from serine 469.
Molecular consequence: frameshift variant.
Genome position (GRCh38, 1-based): chr11:554,045-554,051, GCGGTGG duplicated. VCF-style (leftmost placement, unchanged base first): chr11-554044-C-CGCGGTGG. GRCh37 (hg19) VCF-style: chr11-554044-C-CGCGGTGG.
Other names: c.1398_1404dup, p.Ser469fs (NM_001441283.1, NM_001441284.1); c.1221_1227dup, p.Ser410fs (NM_001441285.1, NM_001441286.1); c.1398_1404dupGCGGTGG (NM_198075.4); short protein forms S410fs, S469fs.
Identifiers: ClinVar variation 4845867 (VCV004845867.1).